The following is an entry in ClinVar:

ClinVar aggregate classification (germline): Uncertain significance (1 of 4 stars; one submission).

Submission:

Labcorp Genetics (formerly Invitae), Labcorp
Classification: Uncertain significance. Last evaluated: 2025-11-27. Review status: criteria provided, single submitter. Criteria: Invitae Variant Classification Sherloc (09022015). Collection method: clinical testing. Allele origin: germline.
Comment: This sequence change replaces lysine, which is basic and polar, with glutamine, which is neutral and polar, at codon 604 of the RIPK1 protein (p.Lys604Gln). This variant is not present in population databases (gnomAD no frequency). This variant has not been reported in the literature in individuals affected with RIPK1-related conditions. An algorithm developed to predict the effect of missense changes on protein structure and function (PolyPhen-2) suggests that this variant is likely to be disruptive. In summary, the available evidence is currently insufficient to determine the role of this variant in disease. Therefore, it has been classified as a Variant of Uncertain Significance.

NM_001354930.2(RIPK1):c.1810A>C (p.Lys604Gln)

Gene: RIPK1 (receptor interacting serine/threonine kinase 1; plus strand). Cytogenetic location: 6p25.2.
Variant type: single nucleotide variant.
Coding change: c.1810A>C on transcript NM_001354930.2 (MANE Select); coding-DNA position 1810, A replaced by C.
Protein change: p.Lys604Gln; replaces lysine 604 with glutamine.
Molecular consequence: missense variant.
Genome position (GRCh38, 1-based): chr6:3,113,133, A>C. VCF-style: chr6-3113133-A-C. GRCh37 (hg19) VCF-style: chr6-3113367-A-C.
Other names: c.1321A>C, p.Lys441Gln (NM_001317061.3, NM_001354932.2, NM_001354933.2 and 1 more transcripts); c.1672A>C, p.Lys558Gln (NM_001354931.2); c.1810A>C, p.Lys604Gln (NM_003804.6); short protein forms K441Q, K604Q, K558Q.
Identifiers: ClinVar variation 4718926 (VCV004718926.1).